The following is an entry in ClinVar:

NM_172364.5(CACNA2D4):c.1423C>T (p.Arg475Cys)

Gene: CACNA2D4 (calcium voltage-gated channel auxiliary subunit alpha2delta 4; minus strand). Cytogenetic location: 12p13.33.
Variant type: single nucleotide variant.
Coding change: c.1423C>T on transcript NM_172364.5 (MANE Select); coding-DNA position 1423, C replaced by T.
Protein change: p.Arg475Cys; replaces arginine 475 with cysteine.
Molecular consequence: missense variant.
Genome position (GRCh38, 1-based): chr12:1,882,929, G>A on the plus strand (C>T on the coding strand, the complement: CACNA2D4 is on the minus strand). VCF-style: chr12-1882929-G-A. GRCh37 (hg19) VCF-style: chr12-1992095-G-A.
Other names: c.1423C>T (NM_172364.4); short protein forms R475C.
Identifiers: ClinVar variation 1499621 (VCV001499621.10), dbSNP rs755333586, ClinGen allele CA6387138.

ClinVar aggregate classification (germline): Uncertain significance. Review status: criteria provided, multiple submitters, no conflicts (2 of 4 stars). 3 submissions from 3 submitters: Uncertain significance (3). Last evaluated 2025-12-31.

Conditions:
Inborn genetic diseases. Identifiers: MedGen C0950123, MeSH D030342.

Allele frequency attached by ClinVar (database versions not stated): gnomAD exomes 0.00002 and 0.00003; ExAC 0.00003; gnomAD 0.00003 and 0.00004; TOPMed 0.00005.
gnomAD v4.1: 53 of 1,613,548 alleles (0.0033%); highest among the groups gnomAD compares: Non-Finnish European, 0.004%; no homozygotes.

Submissions (3):

Labcorp Genetics (formerly Invitae), Labcorp
Classification: Uncertain significance. Last evaluated: 2025-12-31. Review status: criteria provided, single submitter. Criteria: Invitae Variant Classification Sherloc (09022015). Collection method: clinical testing. Allele origin: germline.
Comment: This sequence change replaces arginine, which is basic and polar, with cysteine, which is neutral and slightly polar, at codon 475 of the CACNA2D4 protein (p.Arg475Cys). This variant is present in population databases (rs755333586, gnomAD 0.004%). This variant has not been reported in the literature in individuals affected with CACNA2D4-related conditions. ClinVar contains an entry for this variant (Variation ID: 1499621). An algorithm developed to predict the effect of missense changes on protein structure and function (PolyPhen-2) suggests that this variant is likely to be disruptive. In summary, the available evidence is currently insufficient to determine the role of this variant in disease. Therefore, it has been classified as a Variant of Uncertain Significance.

Ambry Genetics
Classification: Uncertain significance for Inborn genetic diseases. Last evaluated: 2025-06-07. Review status: criteria provided, single submitter. Criteria: Ambry Variant Classification Scheme 2023. Collection method: clinical testing. Allele origin: germline.

Blueprint Genetics
Classification: Uncertain significance. Last evaluated: 2024-10-11. Review status: criteria provided, single submitter. Criteria: ACMG Guidelines, 2015. Collection method: clinical testing. Allele origin: germline.